The following is an entry in ClinVar:

NM_001903.5(CTNNA1):c.1010_1011del (p.Glu336_Cys337insTer)

Gene: CTNNA1 (catenin alpha 1; plus strand). Cytogenetic location: 5q31.2.
Variant type: Microsatellite.
Coding change: c.1010_1011del on transcript NM_001903.5 (MANE Select); coding-DNA positions 1010 to 1011, 2 bases deleted (GT; older notation c.1010_1011delGT).
Protein change: p.Glu336_Cys337insTer.
Molecular consequence: nonsense.
Genome position (GRCh38, 1-based): chr5:138,827,666-138,827,667, GT deleted; deleting any 2 consecutive bases within chr5:138,827,664-138,827,667 gives the same sequence; the c. name uses the placement nearest the transcript's 3' end. VCF-style (leftmost placement, unchanged base first): chr5-138827663-AGT-A. GRCh37 (hg19) VCF-style: chr5-138163352-AGT-A.
Other names: c.1010_1011del, p.Glu336_Cys337insTer (NM_001290307.3, NM_001323982.2, NM_001323983.1 and 3 more transcripts); c.701_702del, p.Glu233_Cys234insTer (NM_001290309.3); c.641_642del, p.Glu213_Cys214insTer (NM_001290310.3).
Identifiers: ClinVar variation 2879844 (VCV002879844.3), dbSNP rs2532447916, ClinGen allele CA2739275078.

ClinVar aggregate classification (germline): Pathogenic (1 of 4 stars; one submission).

Submission:

Labcorp Genetics (formerly Invitae), Labcorp
Classification: Pathogenic. Last evaluated: 2023-06-13. Review status: criteria provided, single submitter. Criteria: Invitae Variant Classification Sherloc (09022015). Collection method: clinical testing. Allele origin: germline.
Comment: For these reasons, this variant has been classified as Pathogenic. Experimental studies and prediction algorithms are not available or were not evaluated, and the functional significance of this variant is currently unknown. This variant has not been reported in the literature in individuals affected with CTNNA1-related conditions. This variant is not present in population databases (gnomAD no frequency). This sequence change creates a premature translational stop signal (p.Cys337*) in the CTNNA1 gene. It is expected to result in an absent or disrupted protein product. Loss-of-function variants in CTNNA1 are known to be pathogenic (PMID: 32051609, 34425242).

Literature cited by the submitters: PubMed 32051609; PubMed 34425242.